The following is an entry in ClinVar:

NM_000180.4(GUCY2D):c.1148G>A (p.Arg383Gln)

Gene: GUCY2D (guanylate cyclase 2D, retinal; plus strand). Cytogenetic location: 17p13.1.
Variant type: single nucleotide variant.
Coding change: c.1148G>A on transcript NM_000180.4 (MANE Select); coding-DNA position 1148, G replaced by A.
Protein change: p.Arg383Gln; replaces arginine 383 with glutamine.
Molecular consequence: missense variant.
Genome position (GRCh38, 1-based): chr17:8,006,484, G>A. VCF-style: chr17-8006484-G-A. GRCh37 (hg19) VCF-style: chr17-7909802-G-A.
Other names: short protein forms R383Q.
Identifiers: ClinVar variation 1001226 (VCV001001226.8), dbSNP rs373827556, ClinGen allele CA287524693.

ClinVar aggregate classification (germline): Uncertain significance. Review status: criteria provided, multiple submitters, no conflicts (2 of 4 stars). 2 submissions from 2 submitters: Uncertain significance (2). Last evaluated 2025-11-23.

Conditions:
Cone-rod dystrophy 6 (CORD6). Also called: Cone dystrophy progressive; RETINAL CONE DYSTROPHY 2. Identifiers: Orphanet 1872, MedGen C1866293, MONDO:0011143, OMIM 601777.
Leber congenital amaurosis 1 (LCA1). Also called: AMAUROSIS CONGENITA OF LEBER I; RETINAL BLINDNESS, CONGENITAL; Congenital absence of the rods and cones; Leber's congenital tapetoretinal degeneration; Leber's congenital tapetoretinal dysplasia. Identifiers: Orphanet 65, MedGen C2931258, MONDO:0008764, OMIM 204000.

Allele frequency attached by ClinVar (database versions not stated): gnomAD 0.00001; gnomAD exomes 0.00002; TOPMed 0.00002; ESP Exome Variant Server 0.00015.
gnomAD v4.1: 49 of 1,607,540 alleles (0.003%); highest among the groups gnomAD compares: Non-Finnish European, 0.0036%; no homozygotes.

Submissions (2):

Labcorp Genetics (formerly Invitae), Labcorp
Classification: Uncertain significance for Leber congenital amaurosis 1; Cone-rod dystrophy 6. Last evaluated: 2025-11-23. Review status: criteria provided, single submitter. Criteria: Invitae Variant Classification Sherloc (09022015). Collection method: clinical testing. Allele origin: germline.
Comment: This sequence change replaces arginine, which is basic and polar, with glutamine, which is neutral and polar, at codon 383 of the GUCY2D protein (p.Arg383Gln). This variant is present in population databases (rs373827556, gnomAD 0.005%). This variant has not been reported in the literature in individuals affected with GUCY2D-related conditions. ClinVar contains an entry for this variant (Variation ID: 1001226). Invitae Evidence Modeling of protein sequence and biophysical properties (such as structural, functional, and spatial information, amino acid conservation, physicochemical variation, residue mobility, and thermodynamic stability) indicates that this missense variant is not expected to disrupt GUCY2D protein function with a negative predictive value of 80%. In summary, the available evidence is currently insufficient to determine the role of this variant in disease. Therefore, it has been classified as a Variant of Uncertain Significance.

Blueprint Genetics
Classification: Uncertain significance. Last evaluated: 2024-07-08. Review status: criteria provided, single submitter. Criteria: ACMG Guidelines, 2015. Collection method: clinical testing. Allele origin: germline.